The following is an entry in ClinVar:

ClinVar aggregate classification (germline): Likely benign (1 of 4 stars; one submission).

gnomAD v4.1: 39 of 1,613,890 alleles (0.0024%); highest among the groups gnomAD compares: East Asian, 0.04%; no homozygotes.

Submission:

CeGaT Center for Human Genetics Tuebingen
Classification: Likely benign. Last evaluated: 2026-09-01. Review status: criteria provided, single submitter. Criteria: CeGaT Center For Human Genetics Tuebingen Variant Classification Criteria Version 2. Collection method: clinical testing. Allele origin: germline. Affected: yes. Observed: 2 variant alleles.
Comment: MED23: BP4, BP7

NM_004830.4(MED23):c.3600C>T (p.Tyr1200=)

Gene: MED23 (mediator complex subunit 23; minus strand). Cytogenetic location: 6q23.2.
Variant type: single nucleotide variant.
Coding change: c.3600C>T on transcript NM_004830.4 (MANE Select); coding-DNA position 3600, C replaced by T.
Protein change: p.Tyr1200=; no amino-acid change (tyrosine 1200 retained).
Molecular consequence: synonymous variant.
Genome position (GRCh38, 1-based): chr6:131,591,399, G>A on the plus strand (C>T on the coding strand, the complement: MED23 is on the minus strand). VCF-style: chr6-131591399-G-A. GRCh37 (hg19) VCF-style: chr6-131912539-G-A.
Other names: c.3600C>T, p.Tyr1200= (NM_001270521.2, NM_001270522.2); c.3618C>T, p.Tyr1206= (NM_001376517.1, NM_015979.4); c.3546C>T, p.Tyr1182= (NM_001376518.1); c.3462C>T, p.Tyr1154= (NM_001376519.1, NM_001376521.1); c.3459C>T, p.Tyr1153= (NM_001376520.1); c.3429C>T, p.Tyr1143= (NM_001376522.1); c.3345C>T, p.Tyr1115= (NM_001376523.1); c.3213C>T, p.Tyr1071= (NM_001376524.1).
Identifiers: ClinVar variation 3898361 (VCV003898361.7).